The following is an entry in ClinVar:

ClinVar aggregate classification (germline): Uncertain significance (1 of 4 stars; one submission).

Conditions:
Spinocerebellar ataxia type 19/22 (SCA19). Also called: SPINOCEREBELLAR ATAXIA 22; SPINOCEREBELLAR ATAXIA 19. Identifiers: Orphanet 98772, MedGen C1846367, MONDO:0011819, OMIM 607346.

Submission:

Labcorp Genetics (formerly Invitae), Labcorp
Classification: Uncertain significance for Spinocerebellar ataxia type 19/22. Last evaluated: 2021-12-17. Review status: criteria provided, single submitter. Criteria: Invitae Variant Classification Sherloc (09022015). Collection method: clinical testing. Allele origin: germline.
Comment: This sequence change replaces tryptophan, which is neutral and slightly polar, with leucine, which is neutral and non-polar, at codon 170 of the KCND3 protein (p.Trp170Leu). This variant is not present in population databases (gnomAD no frequency). This variant has not been reported in the literature in individuals affected with KCND3-related conditions. Algorithms developed to predict the effect of missense changes on protein structure and function are either unavailable or do not agree on the potential impact of this missense change (SIFT: "Deleterious"; PolyPhen-2: "Benign"; Align-GVGD: "Class C55"). In summary, the available evidence is currently insufficient to determine the role of this variant in disease. Therefore, it has been classified as a Variant of Uncertain Significance.

NM_001378969.1(KCND3):c.509G>T (p.Trp170Leu)

Gene: KCND3 (potassium voltage-gated channel subfamily D member 3; minus strand). Cytogenetic location: 1p13.2.
Variant type: single nucleotide variant.
Coding change: c.509G>T on transcript NM_001378969.1 (MANE Select); coding-DNA position 509, G replaced by T.
Protein change: p.Trp170Leu; replaces tryptophan 170 with leucine.
Molecular consequence: missense variant.
Genome position (GRCh38, 1-based): chr1:111,982,218, C>A on the plus strand (G>T on the coding strand, the complement: KCND3 is on the minus strand). VCF-style: chr1-111982218-C-A. GRCh37 (hg19) VCF-style: chr1-112524840-C-A.
Other names: c.509G>T, p.Trp170Leu (NM_001378970.1, NM_004980.5, NM_172198.3); short protein forms W170L.
Identifiers: ClinVar variation 2044800 (VCV002044800.4), dbSNP rs2525704849, ClinGen allele CA341821973.